The following is an entry in ClinVar:

ClinVar aggregate classification (germline): Uncertain significance. Review status: criteria provided, single submitter (1 of 4 stars). 2 submissions from 2 submitters: Uncertain significance (1). 1 of the submissions does not count toward it. Last evaluated 2023-12-13.

Conditions:
DMBX1-related disorder. Also called: DMBX1-related condition.

Allele frequency attached by ClinVar (database versions not stated): ESP Exome Variant Server 0.00008; gnomAD 0.00012; gnomAD exomes 0.00012; TOPMed 0.00017; ExAC 0.00028.

Submissions (2):

Ambry Genetics
Classification: Uncertain significance. Last evaluated: 2023-12-13. Review status: criteria provided, single submitter. Criteria: Ambry Variant Classification Scheme 2023. Collection method: clinical testing. Allele origin: germline.

PreventionGenetics, part of Exact Sciences
Classification: Likely benign for DMBX1-related condition. Last evaluated: 2022-03-09. Review status: no assertion criteria provided. Collection method: clinical testing. Allele origin: germline. Not counted in ClinVar's aggregate classification.
Comment: This variant is classified as likely benign based on ACMG/AMP sequence variant interpretation guidelines (Richards et al. 2015 PMID: 25741868, with internal and published modifications).

NM_172225.2(DMBX1):c.1007C>G (p.Pro336Arg)

Gene: DMBX1 (diencephalon/mesencephalon homeobox 1; plus strand). Cytogenetic location: 1p33.
Variant type: single nucleotide variant.
Coding change: c.1007C>G on transcript NM_172225.2 (MANE Select); coding-DNA position 1007, C replaced by G.
Protein change: p.Pro336Arg; replaces proline 336 with arginine.
Molecular consequence: missense variant.
Genome position (GRCh38, 1-based): chr1:46,512,367, C>G. VCF-style: chr1-46512367-C-G. GRCh37 (hg19) VCF-style: chr1-46978039-C-G.
Other names: c.1007C>G, p.Pro336Arg (NM_001387775.1); c.1022C>G, p.Pro341Arg (NM_001387776.1, NM_147192.4); short protein forms P336R, P341R.
Identifiers: ClinVar variation 3054840 (VCV003054840.3), dbSNP rs199979775, ClinGen allele CA836807.